The following is an entry in ClinVar:

ClinVar aggregate classification (germline): Uncertain significance (1 of 4 stars; one submission).

Conditions:
RASopathy. Also called: rasopathies; Noonan spectrum disorder. Identifiers: Orphanet 536391, MedGen C5555857, MONDO:0021060.

Submission:

Labcorp Genetics (formerly Invitae), Labcorp
Classification: Uncertain significance for RASopathy. Last evaluated: 2025-11-13. Review status: criteria provided, single submitter. Criteria: Invitae Variant Classification Sherloc (09022015). Collection method: clinical testing. Allele origin: germline.
Comment: This sequence change replaces isoleucine, which is neutral and non-polar, with threonine, which is neutral and polar, at codon 190 of the MAP2K2 protein (p.Ile190Thr). The frequency data for this variant in the population databases is considered unreliable, as metrics indicate poor data quality at this position in the gnomAD database. This variant has not been reported in the literature in individuals affected with MAP2K2-related conditions. Invitae Evidence Modeling of protein sequence and biophysical properties (such as structural, functional, and spatial information, amino acid conservation, physicochemical variation, residue mobility, and thermodynamic stability) has been performed for this missense variant. However, the output from this modeling did not meet the statistical confidence thresholds required to predict the impact of this variant on MAP2K2 protein function. In summary, the available evidence is currently insufficient to determine the role of this variant in disease. Therefore, it has been classified as a Variant of Uncertain Significance.

NM_030662.4(MAP2K2):c.569T>C (p.Ile190Thr)

Gene: MAP2K2 (mitogen-activated protein kinase kinase 2; minus strand). Cytogenetic location: 19p13.3.
Variant type: single nucleotide variant.
Coding change: c.569T>C on transcript NM_030662.4 (MANE Select); coding-DNA position 569, T replaced by C.
Protein change: p.Ile190Thr; replaces isoleucine 190 with threonine.
Molecular consequence: missense variant. On other transcripts: 5 prime UTR variant (1).
Genome position (GRCh38, 1-based): chr19:4,101,240, A>G on the plus strand (T>C on the coding strand, the complement: MAP2K2 is on the minus strand). VCF-style: chr19-4101240-A-G. GRCh37 (hg19) VCF-style: chr19-4101238-A-G.
Other names: c.569T>C, p.Ile190Thr (NM_001440688.1); c.-2T>C (NM_001440689.1); short protein forms I190T.
Identifiers: ClinVar variation 4802524 (VCV004802524.1).